The following is an entry in ClinVar:

NM_002890.3(RASA1):c.2904C>G (p.Ile968Met)

Genes: CCNH (cyclin H; minus strand), RASA1 (RAS p21 protein activator 1; plus strand). Cytogenetic location: 5q14.3.
Variant type: single nucleotide variant.
Coding change: c.2904C>G on transcript NM_002890.3 (MANE Select); coding-DNA position 2904, C replaced by G.
Protein change: p.Ile968Met; replaces isoleucine 968 with methionine.
Molecular consequence: missense variant. On other transcripts: intron variant (1).
Genome position (GRCh38, 1-based): chr5:87,386,882, C>G. VCF-style: chr5-87386882-C-G. GRCh37 (hg19) VCF-style: chr5-86682699-C-G.
Other names: c.2373C>G, p.Ile791Met (NM_022650.3); c.933+8162G>C (NM_001364075.2); short protein forms I791M, I968M.
Identifiers: ClinVar variation 2773115 (VCV002773115.3), dbSNP rs2531385812, ClinGen allele CA360387083.
Genomic context (GRCh38, chr5:87,386,882, plus strand): 5'-TCAGGAGCCCTACATGGAAGGTGTCAATCCATTCATCAAAAGCAACAAACATCGTATGAT[C>G]ATGTTTTTAGATGAACTTGGGGTATGTATATAGTTTTCAGGTACTTTTTTTAAGACTTCT-3'
Protein context (NP_002881.1, residues 958-978): PFIKSNKHRM[Ile968Met]MFLDELGNVP

ClinVar aggregate classification (germline): Uncertain significance (1 of 4 stars; one submission).

Conditions:
Capillary malformation-arteriovenous malformation syndrome. Also called: Capillary malformation-arteriovenous malformation. Identifiers: Orphanet 137667, MedGen C1842180, MONDO:0012016.

Submission:

Labcorp Genetics (formerly Invitae), Labcorp
Classification: Uncertain significance for Capillary malformation-arteriovenous malformation syndrome. Last evaluated: 2024-10-28. Review status: criteria provided, single submitter. Criteria: Invitae Variant Classification Sherloc (09022015). Collection method: clinical testing. Allele origin: germline.
Comment: This sequence change replaces isoleucine, which is neutral and non-polar, with methionine, which is neutral and non-polar, at codon 968 of the RASA1 protein (p.Ile968Met). This variant is not present in population databases (gnomAD no frequency). This variant has not been reported in the literature in individuals affected with RASA1-related conditions. An algorithm developed to predict the effect of missense changes on protein structure and function (PolyPhen-2) suggests that this variant is likely to be disruptive. In summary, the available evidence is currently insufficient to determine the role of this variant in disease. Therefore, it has been classified as a Variant of Uncertain Significance.